The following is an entry in ClinVar:

NM_006031.6(PCNT):c.2785G>A (p.Glu929Lys)

Gene: PCNT (pericentrin; plus strand). Cytogenetic location: 21q22.3.
Variant type: single nucleotide variant.
Coding change: c.2785G>A on transcript NM_006031.6 (MANE Select); coding-DNA position 2785, G replaced by A.
Protein change: p.Glu929Lys; replaces glutamic acid 929 with lysine.
Molecular consequence: missense variant.
Genome position (GRCh38, 1-based): chr21:46,366,759, G>A. VCF-style: chr21-46366759-G-A. GRCh37 (hg19) VCF-style: chr21-47786674-G-A.
Other names: c.2431G>A, p.Glu811Lys (NM_001315529.2); c.2785G>A (NM_006031.5); short protein forms E811K, E929K.
Identifiers: ClinVar variation 2069788 (VCV002069788.3), dbSNP rs377698877, ClinGen allele CA10079095.

ClinVar aggregate classification (germline): Uncertain significance. Review status: criteria provided, single submitter (1 of 4 stars). 2 submissions from 2 submitters: Uncertain significance (1). 1 of the submissions does not count toward it. Last evaluated 2022-04-16.

Conditions:
PCNT-related disorder. Also called: PCNT-related condition.

Allele frequency attached by ClinVar (database versions not stated): gnomAD 0.00001; TOPMed 0.00003; gnomAD exomes 0.00004; ExAC 0.00007; ESP Exome Variant Server 0.00008.
gnomAD v4.1: 53 of 1,613,486 alleles (0.0033%); highest among the groups gnomAD compares: Admixed American, 0.023%; no homozygotes.

Submissions (2):

Labcorp Genetics (formerly Invitae), Labcorp
Classification: Uncertain significance. Last evaluated: 2022-04-16. Review status: criteria provided, single submitter. Criteria: Invitae Variant Classification Sherloc (09022015). Collection method: clinical testing. Allele origin: germline.
Comment: This sequence change replaces glutamic acid, which is acidic and polar, with lysine, which is basic and polar, at codon 929 of the PCNT protein (p.Glu929Lys). This variant is present in population databases (rs377698877, gnomAD 0.05%). This variant has not been reported in the literature in individuals affected with PCNT-related conditions. Algorithms developed to predict the effect of missense changes on protein structure and function are either unavailable or do not agree on the potential impact of this missense change (SIFT: "Tolerated"; PolyPhen-2: "Possibly Damaging"; Align-GVGD: "Class C0"). In summary, the available evidence is currently insufficient to determine the role of this variant in disease. Therefore, it has been classified as a Variant of Uncertain Significance.

PreventionGenetics, part of Exact Sciences
Classification: Uncertain significance for PCNT-related condition. Last evaluated: 2024-06-12. Review status: no assertion criteria provided. Collection method: clinical testing. Allele origin: germline. Not counted in ClinVar's aggregate classification.
Comment: The PCNT c.2785G>A variant is predicted to result in the amino acid substitution p.Glu929Lys. To our knowledge, this variant has not been reported in the literature. This variant is reported in 0.042% of alleles in individuals of Latino descent in gnomAD. At this time, the clinical significance of this variant is uncertain due to the absence of conclusive functional and genetic evidence.